The following is an entry in ClinVar:

NM_000548.5(TSC2):c.31T>G (p.Leu11Val)

Gene: TSC2 (TSC complex subunit 2; plus strand). Cytogenetic location: 16p13.3.
Variant type: single nucleotide variant.
Coding change: c.31T>G on transcript NM_000548.5 (MANE Select); coding-DNA position 31, T replaced by G.
Protein change: p.Leu11Val; replaces leucine 11 with valine.
Molecular consequence: missense variant. On other transcripts: 5 prime UTR variant (19), non-coding transcript variant (5), intron variant (6).
Genome position (GRCh38, 1-based): chr16:2,048,646, T>G. VCF-style: chr16-2048646-T-G. GRCh37 (hg19) VCF-style: chr16-2098647-T-G.
Other names: c.31T>G, p.Leu11Val (NM_001077183.3, NM_001114382.3, NM_001318827.2 and 13 more transcripts); c.-196T>G (NM_001318831.2, NM_001406682.1, NM_001406684.1 and 2 more transcripts); c.64T>G, p.Leu22Val (NM_001318832.2); c.-786T>G (NM_001406680.1, NM_001406683.1, NM_001406687.1); c.-415T>G (NM_001406681.1); c.-1401T>G (NM_001406689.1, NM_001406690.1, NM_001406691.1 and 2 more transcripts); c.-1707T>G (NM_001406693.1); c.-1282T>G (NM_001406694.1, NM_001406695.1); and 4 more; short protein forms L11V, L22V.
Identifiers: ClinVar variation 2564648 (VCV002564648.2), dbSNP rs978517404, ClinGen allele CA394300746.

ClinVar aggregate classification (germline): Uncertain significance (1 of 4 stars; one submission).

Conditions:
Hereditary cancer-predisposing syndrome. Also called: Neoplastic Syndromes, Hereditary; Hereditary Cancer Syndrome; Hereditary neoplastic syndrome; Tumor predisposition. Identifiers: Orphanet 140162, MedGen C0027672, MeSH D009386, MONDO:0015356.

Submission:

Ambry Genetics
Classification: Uncertain significance for Hereditary cancer-predisposing syndrome. Last evaluated: 2023-04-18. Review status: criteria provided, single submitter. Criteria: Ambry Variant Classification Scheme 2023. Collection method: clinical testing. Allele origin: germline.
Comment: The p.L11V variant (also known as c.31T>G), located in coding exon 1 of the TSC2 gene, results from a T to G substitution at nucleotide position 31. The leucine at codon 11 is replaced by valine, an amino acid with highly similar properties. This amino acid position is conserved. In addition, this alteration is predicted to be tolerated by in silico analysis. Since supporting evidence is limited at this time, the clinical significance of this alteration remains unclear.